The following is an entry in ClinVar:

ClinVar aggregate classification (germline): Uncertain significance. Review status: criteria provided, multiple submitters, no conflicts (2 of 4 stars). 3 submissions from 3 submitters: Uncertain significance (3). Last evaluated 2022-09-12.

Conditions:
Spermatogenic failure 18. Identifiers: MedGen C4539783, MONDO:0054615, OMIM 617576.
Ciliary dyskinesia, primary, 37 (CILD37). Also called: CILIARY DYSKINESIA, PRIMARY, 37, WITH OR WITHOUT SITUS INVERSUS. Identifiers: MedGen C4539798, MONDO:0033204, OMIM 617577.

Allele frequency attached by ClinVar (database versions not stated): ExAC 0.00006; TOPMed 0.00009; 1000 Genomes Project 30x 0.00016; 1000 Genomes Project 0.00020.

Submissions (3):

Labcorp Genetics (formerly Invitae), Labcorp
Classification: Uncertain significance for Ciliary dyskinesia, primary, 37; Spermatogenic failure 18. Last evaluated: 2022-09-12. Review status: criteria provided, single submitter. Criteria: Invitae Variant Classification Sherloc (09022015). Collection method: clinical testing. Allele origin: germline.
Comment: In summary, the available evidence is currently insufficient to determine the role of this variant in disease. Therefore, it has been classified as a Variant of Uncertain Significance. Algorithms developed to predict the effect of sequence changes on RNA splicing suggest that this variant may create or strengthen a splice site. Advanced modeling of protein sequence and biophysical properties (such as structural, functional, and spatial information, amino acid conservation, physicochemical variation, residue mobility, and thermodynamic stability) has been performed at Invitae for this missense variant, however the output from this modeling did not meet the statistical confidence thresholds required to predict the impact of this variant on DNAH1 protein function. ClinVar contains an entry for this variant (Variation ID: 1047777). This variant has not been reported in the literature in individuals affected with DNAH1-related conditions. This variant is present in population databases (rs574664508, gnomAD 0.03%). This sequence change replaces arginine, which is basic and polar, with glutamine, which is neutral and polar, at codon 1242 of the DNAH1 protein (p.Arg1242Gln).

Blueprint Genetics
Classification: Uncertain significance. Last evaluated: 2021-12-29. Review status: criteria provided, single submitter. Criteria: ACMG Guidelines, 2015. Collection method: clinical testing. Allele origin: germline.

Ambry Genetics
Classification: Uncertain significance. Last evaluated: 2021-09-17. Review status: criteria provided, single submitter. Criteria: Ambry Variant Classification Scheme 2023. Collection method: clinical testing. Allele origin: germline.

NM_015512.5(DNAH1):c.3725G>A (p.Arg1242Gln)

Gene: DNAH1 (dynein axonemal heavy chain 1; plus strand). Cytogenetic location: 3p21.1.
Variant type: single nucleotide variant.
Coding change: c.3725G>A on transcript NM_015512.5 (MANE Select); coding-DNA position 3725, G replaced by A.
Protein change: p.Arg1242Gln; replaces arginine 1242 with glutamine.
Molecular consequence: missense variant.
Genome position (GRCh38, 1-based): chr3:52,356,645, G>A. VCF-style: chr3-52356645-G-A. GRCh37 (hg19) VCF-style: chr3-52390661-G-A.
Other names: c.3725G>A (NM_015512.4); short protein forms R1242Q.
Identifiers: ClinVar variation 1047777 (VCV001047777.6), dbSNP rs574664508, ClinGen allele CA2433685.